The following is an entry in ClinVar:

NM_032551.5(KISS1R):c.1091T>A (p.Leu364His)

Gene: KISS1R (KISS1 receptor; plus strand). Cytogenetic location: 19p13.3.
Variant type: single nucleotide variant.
Coding change: c.1091T>A on transcript NM_032551.5 (MANE Select); coding-DNA position 1091, T replaced by A.
Protein change: p.Leu364His; replaces leucine 364 with histidine.
Molecular consequence: missense variant.
Genome position (GRCh38, 1-based): chr19:920,642, T>A. VCF-style: chr19-920642-T-A. GRCh37 (hg19) VCF-style: chr19-920642-T-A.
Other names: L364H KISS1R; c.1091T>A (NM_032551.4); short protein forms L364H.
Identifiers: ClinVar variation 447660 (VCV000447660.24), dbSNP rs350132, ClinGen allele CA9028909.

ClinVar aggregate classification (germline): Benign/Likely benign. Review status: criteria provided, multiple submitters, no conflicts (2 of 4 stars). 9 submissions from 9 submitters: Benign (5); Likely benign (1). 3 of the submissions do not count toward it. Last evaluated 2026-02-04.

Conditions:
Hypogonadotropic hypogonadism 8 with or without anosmia (HH8). Also called: HYPOGONADOTROPIC HYPOGONADISM 8 WITH ANOSMIA, SUSCEPTIBILITY TO; KISS1R-Related GnRH Deficiency. Identifiers: Orphanet 478, MedGen C3553841, MONDO:0013910, OMIM 614837.
Central precocious puberty 1. Also called: Centra precocious puberty 1; Precocious puberty, gonadotropin-dependent. Identifiers: Orphanet 759, MedGen C3805879, MONDO:0008302, OMIM 176400.

Allele frequency attached by ClinVar (database versions not stated): gnomAD exomes 0.75903 and 0.78134; ExAC 0.78271; 1000 Genomes Project 0.78395; 1000 Genomes Project 30x 0.79013; TOPMed 0.79569; gnomAD 0.79593 and 0.80022.
gnomAD v4.1: 1,035,823 of 1,356,162 alleles (76%); highest among the groups gnomAD compares: African/African-American, 90%; 396,483 homozygotes.

Submissions (9):

Labcorp Genetics (formerly Invitae), Labcorp
Classification: Benign. Last evaluated: 2026-02-04. Review status: criteria provided, single submitter. Criteria: Invitae Variant Classification Sherloc (09022015). Collection method: clinical testing. Allele origin: germline.

Blueprint Genetics
Classification: Likely benign. Last evaluated: 2024-11-28. Review status: criteria provided, single submitter. Criteria: ACMG Guidelines, 2015. Collection method: clinical testing. Allele origin: germline.

Genome-Nilou Lab
Classification: Benign for Hypogonadotropic hypogonadism 8 with or without anosmia. Last evaluated: 2021-07-14. Review status: criteria provided, single submitter. Criteria: ACMG Guidelines, 2015. Collection method: clinical testing. Allele origin: germline. Affected: no.

Athena Diagnostics
Classification: Benign. Last evaluated: 2017-07-27. Review status: criteria provided, single submitter. Criteria: Athena Diagnostics Criteria. Collection method: clinical testing. Allele origin: germline.

GeneDx
Classification: Benign. Last evaluated: 2015-03-03. Review status: criteria provided, single submitter. Criteria: GeneDx Variant Classification Process June 2021. Collection method: clinical testing. Allele origin: germline. Affected: yes.
Comment: This variant is associated with the following publications: (PMID: 32228714, 27914139)

Breakthrough Genomics
Classification: Benign. Review status: criteria provided, single submitter. Criteria: ACMG Guidelines, 2015. Collection method: not provided. Allele origin: germline. Inheritance: Autosomal recessive inheritance. Affected: yes.

Diagnostic Laboratory, Department of Genetics, University Medical Center Groningen
Classification: Benign. Review status: no assertion criteria provided. Collection method: clinical testing. Allele origin: germline. Affected: yes. Study: VKGL Data-share Consensus. Not counted in ClinVar's aggregate classification.

Joint Genome Diagnostic Labs from Nijmegen and Maastricht, Radboudumc and MUMC+
Classification: Benign. Review status: no assertion criteria provided. Collection method: clinical testing. Allele origin: germline. Affected: yes. Study: VKGL Data-share Consensus. Not counted in ClinVar's aggregate classification.

National Institute for Research in Reproductive and Child Health, Indian Council of Medical Research
Classification: Likely pathogenic for Central precocious puberty 1. Review status: no assertion criteria provided. Collection method: research, in vitro. Allele origin: paternal, not applicable. Affected: yes. Observed: 1 homozygote. Functional consequence: variation affecting protein function. Not counted in ClinVar's aggregate classification.
Comment: Augmented signaling through H364 KISS1R variant at high doses of kisspeptin contributing to central precocious puberty

Literature cited by the submitters: DOI 10.1016/j.gene.2023.148016 (cited by National Institute for Research in Reproductive and Child Health, Indian Council of Medical Research).